The following is an entry in ClinVar:

ClinVar aggregate classification (germline): Uncertain significance. Review status: criteria provided, multiple submitters, no conflicts (2 of 4 stars). 2 submissions from 2 submitters: Uncertain significance (2). Last evaluated 2025-02-12.

Conditions:
Hereditary nonpolyposis colorectal neoplasms. Identifiers: MedGen C0009405, MeSH D003123.
Hereditary cancer-predisposing syndrome. Also called: Tumor predisposition; Hereditary neoplastic syndrome; Neoplastic Syndromes, Hereditary; Hereditary Cancer Syndrome. Identifiers: Orphanet 140162, MedGen C0027672, MeSH D009386, MONDO:0015356.

Submissions (2):

Ambry Genetics
Classification: Uncertain significance for Hereditary cancer-predisposing syndrome. Last evaluated: 2025-02-12. Review status: criteria provided, single submitter. Criteria: Ambry Variant Classification Scheme 2023. Collection method: clinical testing. Allele origin: germline.
Comment: The p.V280D variant (also known as c.839T>A), located in coding exon 8 of the PMS2 gene, results from a T to A substitution at nucleotide position 839. The valine at codon 280 is replaced by aspartic acid, an amino acid with highly dissimilar properties. This amino acid position is conserved. In addition, the in silico prediction for this alteration is inconclusive. Based on the available evidence, the clinical significance of this variant remains unclear.

Labcorp Genetics (formerly Invitae), Labcorp
Classification: Uncertain significance for Hereditary nonpolyposis colorectal neoplasms. Last evaluated: 2025-01-30. Review status: criteria provided, single submitter. Criteria: Invitae Variant Classification Sherloc (09022015). Collection method: clinical testing. Allele origin: germline.
Comment: This sequence change replaces valine, which is neutral and non-polar, with aspartic acid, which is acidic and polar, at codon 280 of the PMS2 protein (p.Val280Asp). This variant is not present in population databases (gnomAD no frequency). This variant has not been reported in the literature in individuals affected with PMS2-related conditions. ClinVar contains an entry for this variant (Variation ID: 860164). Invitae Evidence Modeling incorporating data from in vitro experimental studies (internal data) indicates that this missense variant is not expected to disrupt PMS2 function with a negative predictive value of 95%. In summary, the available evidence is currently insufficient to determine the role of this variant in disease. Therefore, it has been classified as a Variant of Uncertain Significance.

NM_000535.7(PMS2):c.839T>A (p.Val280Asp)

Gene: PMS2 (PMS1 homolog 2, mismatch repair system component; minus strand). Cytogenetic location: 7p22.1.
Variant type: single nucleotide variant.
Coding change: c.839T>A on transcript NM_000535.7 (MANE Select); coding-DNA position 839, T replaced by A.
Protein change: p.Val280Asp; replaces valine 280 with aspartic acid.
Molecular consequence: missense variant. On other transcripts: 5 prime UTR variant (2), non-coding transcript variant (1).
Genome position (GRCh38, 1-based): chr7:5,995,598, A>T on the plus strand (T>A on the coding strand, the complement: PMS2 is on the minus strand). VCF-style: chr7-5995598-A-T. GRCh37 (hg19) VCF-style: chr7-6035229-A-T.
Other names: c.434T>A, p.Val145Asp (NM_001322003.2, NM_001322004.2, NM_001322005.2 and 2 more transcripts); c.839T>A, p.Val280Asp (NM_001322006.2, NM_001322014.2); c.521T>A, p.Val174Asp (NM_001322007.2, NM_001322008.2); c.-95T>A (NM_001322011.2, NM_001322012.2); c.266T>A, p.Val89Asp (NM_001322013.2); c.530T>A, p.Val177Asp (NM_001322015.2); short protein forms V145D, V280D, V89D, V177D, V174D.
Identifiers: ClinVar variation 860164 (VCV000860164.10), dbSNP rs1159880186, ClinGen allele CA366743515.